The following is an entry in ClinVar:

ClinVar aggregate classification (germline): Uncertain significance. Review status: criteria provided, multiple submitters, no conflicts (2 of 4 stars). 3 submissions from 3 submitters: Uncertain significance (3). Last evaluated 2025-06-12.

Conditions:
Nephrotic syndrome, type 6 (NPHS6). Identifiers: Orphanet 656, MedGen C3280100, MONDO:0013619, OMIM 614196.

Allele frequency attached by ClinVar (database versions not stated): gnomAD exomes 0.00001; ExAC 0.00004; ESP Exome Variant Server 0.00008; TOPMed 0.00010; gnomAD 0.00011.
gnomAD v4.1: 31 of 1,613,962 alleles (0.0019%); highest among the groups gnomAD compares: African/African-American, 0.041%; no homozygotes.

Submissions (3):

Labcorp Genetics (formerly Invitae), Labcorp
Classification: Uncertain significance. Last evaluated: 2025-06-12. Review status: criteria provided, single submitter. Criteria: Invitae Variant Classification Sherloc (09022015). Collection method: clinical testing. Allele origin: germline.
Comment: This sequence change replaces isoleucine, which is neutral and non-polar, with methionine, which is neutral and non-polar, at codon 517 of the PTPRO protein (p.Ile517Met). This variant is present in population databases (rs144862328, gnomAD 0.03%). This variant has not been reported in the literature in individuals affected with PTPRO-related conditions. ClinVar contains an entry for this variant (Variation ID: 2189431). An algorithm developed to predict the effect of missense changes on protein structure and function (PolyPhen-2) suggests that this variant is likely to be disruptive. In summary, the available evidence is currently insufficient to determine the role of this variant in disease. Therefore, it has been classified as a Variant of Uncertain Significance.

Ambry Genetics
Classification: Uncertain significance. Last evaluated: 2024-08-05. Review status: criteria provided, single submitter. Criteria: Ambry Variant Classification Scheme 2023. Collection method: clinical testing. Allele origin: germline.

Fulgent Genetics
Classification: Uncertain significance for Nephrotic syndrome, type 6. Last evaluated: 2024-03-18. Review status: criteria provided, single submitter. Criteria: ACMG Guidelines, 2015. Collection method: clinical testing. Allele origin: germline.

NM_030667.3(PTPRO):c.1551T>G (p.Ile517Met)

Gene: PTPRO (protein tyrosine phosphatase receptor type O; plus strand). Cytogenetic location: 12p12.3.
Variant type: single nucleotide variant.
Coding change: c.1551T>G on transcript NM_030667.3 (MANE Select); coding-DNA position 1551, T replaced by G.
Protein change: p.Ile517Met; replaces isoleucine 517 with methionine.
Molecular consequence: missense variant.
Genome position (GRCh38, 1-based): chr12:15,515,584, T>G. VCF-style: chr12-15515584-T-G. GRCh37 (hg19) VCF-style: chr12-15668518-T-G.
Other names: c.1551T>G, p.Ile517Met (NM_002848.4); c.1551T>G (NM_030667.2); short protein forms I517M.
Identifiers: ClinVar variation 2189431 (VCV002189431.6), dbSNP rs144862328, ClinGen allele CA6466538.